The following is an entry in ClinVar:

ClinVar aggregate classification (germline): Pathogenic. Review status: criteria provided, multiple submitters, no conflicts (2 of 4 stars). 5 submissions from 5 submitters: Pathogenic (4). 1 of the submissions does not count toward it. Last evaluated 2025-12-16.

Conditions:
Autosomal recessive congenital ichthyosis 3 (ARCI3). Also called: ICHTHYOSIS, LAMELLAR, 5. Identifiers: MedGen C3539888, MONDO:0011680, OMIM 606545.
ALOXE3-related disorder. Also called: ALOXE3-related condition.

Allele frequency attached by ClinVar (database versions not stated): gnomAD exomes below 0.00001 and 0.00001; TOPMed below 0.00001.

Submissions (5):

Labcorp Genetics (formerly Invitae), Labcorp
Classification: Pathogenic. Last evaluated: 2025-12-16. Review status: criteria provided, single submitter. Criteria: Invitae Variant Classification Sherloc (09022015). Collection method: clinical testing. Allele origin: germline.
Comment: This sequence change creates a premature translational stop signal (p.Arg211*) in the ALOXE3 gene. It is expected to result in an absent or disrupted protein product. Loss-of-function variants in ALOXE3 are known to be pathogenic (PMID: 11773004, 19890349, 27025581). This variant is present in population databases (rs141340759, gnomAD 0.0009%). This premature translational stop signal has been observed in individual(s) with congenital ichthyosis (PMID: 27025581). ClinVar contains an entry for this variant (Variation ID: 72354). For these reasons, this variant has been classified as Pathogenic.

Blueprint Genetics
Classification: Pathogenic for ALOXE3-related disorders. Last evaluated: 2024-09-20. Review status: criteria provided, single submitter. Criteria: ACMG Guidelines, 2015. Collection method: clinical testing. Allele origin: germline. Affected: yes. Observed: 4 variant alleles.

GeneDx
Classification: Pathogenic. Last evaluated: 2024-05-28. Review status: criteria provided, single submitter. Criteria: GeneDx Variant Classification Process June 2021. Collection method: clinical testing. Allele origin: germline. Affected: yes.
Comment: Nonsense variant predicted to result in protein truncation or nonsense mediated decay in a gene for which loss of function is a known mechanism of disease; Not observed at a significant frequency in large population cohorts (gnomAD); This variant is associated with the following publications: (PMID: 27025581, 31883158, 33435499, 31589614, 26762237)

PreventionGenetics, part of Exact Sciences
Classification: Pathogenic for ALOXE3-related condition. Last evaluated: 2023-09-29. Review status: criteria provided, single submitter. Criteria: ACMG Guidelines, 2015. Collection method: clinical testing. Allele origin: germline.
Comment: The ALOXE3 c.631C>T variant is predicted to result in premature protein termination (p.Arg211*). This variant has been reported in multiple individuals with autosomal recessive congenital ichthyosis (Table S1, Hellström Pigg et al. 2016. PubMed ID: 27025581; ID-23, Diociaiuti et al. 2016. PubMed ID: 26762237; Family 2, Akbar et al. 2020. PubMed ID: 31883158; Table S2, Hotz et al. 2021. PubMed ID: 33435499). This variant is reported in 0.00088% of alleles in individuals of European (non-Finnish) descent in gnomAD. Nonsense variants in ALOXE3 are expected to be pathogenic. This variant is interpreted as pathogenic.

Institute for Human Genetics, University Medical Center Freiburg
Classification: Pathogenic for Autosomal recessive congenital ichthyosis 3. Last evaluated: 2021-01-07. Review status: no assertion criteria provided. Collection method: clinical testing. Allele origin: unknown. Affected: yes. Not counted in ClinVar's aggregate classification.

Literature cited by the submitters: PubMed 11773004 (cited by Labcorp Genetics (formerly Invitae), Labcorp); PubMed 19890349 (cited by Labcorp Genetics (formerly Invitae), Labcorp); PubMed 27025581 (cited by Labcorp Genetics (formerly Invitae), Labcorp and Institute for Human Genetics, University Medical Center Freiburg).

NM_021628.3(ALOXE3):c.631C>T (p.Arg211Ter)

Gene: ALOXE3 (arachidonate epidermal lipoxygenase 3; minus strand). Cytogenetic location: 17p13.1.
Variant type: single nucleotide variant.
Coding change: c.631C>T on transcript NM_021628.3 (MANE Select); coding-DNA position 631, C replaced by T.
Protein change: p.Arg211Ter; replaces arginine 211 with a stop codon.
Molecular consequence: nonsense.
Genome position (GRCh38, 1-based): chr17:8,114,533, G>A on the plus strand (C>T on the coding strand, the complement: ALOXE3 is on the minus strand). VCF-style: chr17-8114533-G-A. GRCh37 (hg19) VCF-style: chr17-8017851-G-A.
Other names: c.1027C>T, p.Arg343Ter (NM_001165960.1); c.628C>T, p.Arg210Ter (NM_001369446.1); short protein forms R343*, R211*, R210*.
Identifiers: ClinVar variation 72354 (VCV000072354.9), dbSNP rs141340759, ClinGen allele CA287528485.
Genomic context (GRCh38, chr17:8,114,533, plus strand): 5'-AATGGCCTTACGCAGGGATGGCATTGAAGAGCAGCGAGATCGTCTTGGTGGCTGAGTATC[G>A]AACATTGGGCTCCATGTACATCAGGGATGGGATGTCAATTTTCATGGGGAAGCCGGGCAG-3'